The following is an entry in ClinVar:

ClinVar aggregate classification (germline): Uncertain significance. Review status: criteria provided, multiple submitters, no conflicts (2 of 4 stars). 2 submissions from 2 submitters: Uncertain significance (2). Last evaluated 2025-12-22.

Conditions:
Cardiovascular phenotype. Identifiers: MedGen CN230736.
Primary dilated cardiomyopathy (DCM). Also called: Dilated Cardiomyopathy. Identifiers: Orphanet 217604, MedGen C0007193, MeSH D002311, MONDO:0005021, HP:0001644. Inheritance: Various modes of inheritance.

Allele frequency attached by ClinVar (database versions not stated): gnomAD 0.00002; ExAC 0.00003; TOPMed 0.00005; ESP Exome Variant Server 0.00023.
gnomAD v4.1: 20 of 1,613,528 alleles (0.0012%); highest among the groups gnomAD compares: African/African-American, 0.0067%; no homozygotes.

Submissions (2):

Labcorp Genetics (formerly Invitae), Labcorp
Classification: Uncertain significance for Primary dilated cardiomyopathy. Last evaluated: 2025-12-22. Review status: criteria provided, single submitter. Criteria: Invitae Variant Classification Sherloc (09022015). Collection method: clinical testing. Allele origin: germline.
Comment: This sequence change replaces proline, which is neutral and non-polar, with leucine, which is neutral and non-polar, at codon 402 of the TXNRD2 protein (p.Pro402Leu). This variant is present in population databases (rs376808071, gnomAD 0.008%). This variant has not been reported in the literature in individuals affected with TXNRD2-related conditions. ClinVar contains an entry for this variant (Variation ID: 1748608). Invitae Evidence Modeling of protein sequence and biophysical properties (such as structural, functional, and spatial information, amino acid conservation, physicochemical variation, residue mobility, and thermodynamic stability) has been performed for this missense variant. However, the output from this modeling did not meet the statistical confidence thresholds required to predict the impact of this variant on TXNRD2 protein function. In summary, the available evidence is currently insufficient to determine the role of this variant in disease. Therefore, it has been classified as a Variant of Uncertain Significance.

Ambry Genetics
Classification: Uncertain significance for Cardiovascular phenotype. Last evaluated: 2025-01-06. Review status: criteria provided, single submitter. Criteria: Ambry Variant Classification Scheme 2023. Collection method: clinical testing. Allele origin: germline.
Comment: The p.P402L variant (also known as c.1205C>T), located in coding exon 14 of the TXNRD2 gene, results from a C to T substitution at nucleotide position 1205. The proline at codon 402 is replaced by leucine, an amino acid with similar properties. This amino acid position is highly conserved in available vertebrate species. In addition, this alteration is predicted to be deleterious by in silico analysis. Since supporting evidence is limited at this time, the clinical significance of this alteration remains unclear.

NM_006440.5(TXNRD2):c.1205C>T (p.Pro402Leu)

Gene: TXNRD2 (thioredoxin reductase 2; minus strand). Cytogenetic location: 22q11.21.
Variant type: single nucleotide variant.
Coding change: c.1205C>T on transcript NM_006440.5 (MANE Select); coding-DNA position 1205, C replaced by T.
Protein change: p.Pro402Leu; replaces proline 402 with leucine.
Molecular consequence: missense variant. On other transcripts: non-coding transcript variant (1).
Genome position (GRCh38, 1-based): chr22:19,880,249, G>A on the plus strand (C>T on the coding strand, the complement: TXNRD2 is on the minus strand). VCF-style: chr22-19880249-G-A. GRCh37 (hg19) VCF-style: chr22-19867772-G-A.
Other names: c.1202C>T, p.Pro401Leu (NM_001352300.2); c.1115C>T, p.Pro372Leu (NM_001352301.2); c.917C>T, p.Pro306Leu (NM_001352302.2); short protein forms P401L, P306L, P402L, P372L.
Identifiers: ClinVar variation 1748608 (VCV001748608.11), dbSNP rs376808071, ClinGen allele CA10103741.